The following is an entry in ClinVar:

NM_000535.7(PMS2):c.2372G>A (p.Ser791Asn)

Gene: PMS2 (PMS1 homolog 2, mismatch repair system component; minus strand). Cytogenetic location: 7p22.1.
Variant type: single nucleotide variant.
Coding change: c.2372G>A on transcript NM_000535.7 (MANE Select); coding-DNA position 2372, G replaced by A.
Protein change: p.Ser791Asn; replaces serine 791 with asparagine.
Molecular consequence: missense variant. On other transcripts: non-coding transcript variant (1).
Genome position (GRCh38, 1-based): chr7:5,977,661, C>T on the plus strand (G>A on the coding strand, the complement: PMS2 is on the minus strand). VCF-style: chr7-5977661-C-T. GRCh37 (hg19) VCF-style: chr7-6017292-C-T.
Other names: c.1967G>A, p.Ser656Asn (NM_001322003.2, NM_001322004.2, NM_001322005.2); c.2216G>A, p.Ser739Asn (NM_001322006.2); c.2054G>A, p.Ser685Asn (NM_001322007.2, NM_001322008.2); c.2000G>A, p.Ser667Asn (NM_001322009.2); c.1811G>A, p.Ser604Asn (NM_001322010.2); c.1439G>A, p.Ser480Asn (NM_001322011.2, NM_001322012.2); c.1799G>A, p.Ser600Asn (NM_001322013.2); c.2405G>A, p.Ser802Asn (NM_001322014.2); and 1 more; short protein forms S656N, S604N, S791N, S685N, S688N, S480N, S600N, S667N.
Identifiers: ClinVar variation 1414688 (VCV001414688.8), dbSNP rs2128673461, ClinGen allele CA366735790.
Genomic context (GRCh38, chr7:5,977,661, plus strand): 5'-GCTCTGGAGGCAAACATCTGCTTGACTCGGGAAGGCCGGCACATGACCCCAGGGCTGTCG[C>T]TCAGCATGAAGATCAGTTCATCGACGTCCTGGGGTCCGAAGGTCCAGTTTTTACTAGTTG-3'
Protein context (NP_000526.2, residues 781-801): QDVDELIFML[Ser791Asn]DSPGVMCRPS

ClinVar aggregate classification (germline): Uncertain significance. Review status: criteria provided, multiple submitters, no conflicts (2 of 4 stars). 2 submissions from 2 submitters: Uncertain significance (2). Last evaluated 2024-12-11.

Conditions:
Hereditary nonpolyposis colorectal neoplasms. Identifiers: MedGen C0009405, MeSH D003123.
Hereditary cancer-predisposing syndrome. Also called: Hereditary Cancer Syndrome; Tumor predisposition; Hereditary neoplastic syndrome; Neoplastic Syndromes, Hereditary. Identifiers: Orphanet 140162, MedGen C0027672, MeSH D009386, MONDO:0015356.

Allele frequency attached by ClinVar (database versions not stated): gnomAD exomes below 0.00001.
gnomAD v4.1: 1 of 1,605,514 alleles (0.000062%); highest among the groups gnomAD compares: Non-Finnish European, 0.000085%; no homozygotes.

Submissions (2):

Labcorp Genetics (formerly Invitae), Labcorp
Classification: Uncertain significance for Hereditary nonpolyposis colorectal neoplasms. Last evaluated: 2024-12-11. Review status: criteria provided, single submitter. Criteria: Invitae Variant Classification Sherloc (09022015). Collection method: clinical testing. Allele origin: germline.
Comment: This sequence change replaces serine, which is neutral and polar, with asparagine, which is neutral and polar, at codon 791 of the PMS2 protein (p.Ser791Asn). The frequency data for this variant in the population databases (gnomAD) is considered unreliable due to the presence of homologous sequence, such as pseudogenes or paralogs, in the genome. This variant has not been reported in the literature in individuals affected with PMS2-related conditions. ClinVar contains an entry for this variant (Variation ID: 1414688). Invitae Evidence Modeling incorporating data from in vitro experimental studies (internal data) indicates that this missense variant is not expected to disrupt PMS2 function with a negative predictive value of 95%. In summary, the available evidence is currently insufficient to determine the role of this variant in disease. Therefore, it has been classified as a Variant of Uncertain Significance.

Ambry Genetics
Classification: Uncertain significance for Hereditary cancer-predisposing syndrome. Last evaluated: 2022-03-31. Review status: criteria provided, single submitter. Criteria: Ambry Variant Classification Scheme 2023. Collection method: clinical testing. Allele origin: germline.
Comment: The p.S791N variant (also known as c.2372G>A), located in coding exon 14 of the PMS2 gene, results from a G to A substitution at nucleotide position 2372. The serine at codon 791 is replaced by asparagine, an amino acid with highly similar properties. This amino acid position is highly conserved in available vertebrate species. In addition, this alteration is predicted to be tolerated by in silico analysis. Since supporting evidence is limited at this time, the clinical significance of this alteration remains unclear.